The following is an entry in ClinVar:

ClinVar aggregate classification (germline): Uncertain significance (1 of 4 stars; one submission).

Allele frequency attached by ClinVar (database versions not stated): TOPMed 0.00001; ExAC 0.00002; gnomAD 0.00002; gnomAD exomes 0.00002 and 0.00003.
gnomAD v4.1: 42 of 1,614,092 alleles (0.0026%); highest among the groups gnomAD compares: Admixed American, 0.01%; 1 homozygote.

Submission:

Labcorp Genetics (formerly Invitae), Labcorp
Classification: Uncertain significance. Last evaluated: 2024-11-11. Review status: criteria provided, single submitter. Criteria: Invitae Variant Classification Sherloc (09022015). Collection method: clinical testing. Allele origin: germline.
Comment: This sequence change replaces asparagine, which is neutral and polar, with serine, which is neutral and polar, at codon 402 of the TRAF3IP1 protein (p.Asn402Ser). This variant is present in population databases (rs780286632, gnomAD 0.01%). This variant has not been reported in the literature in individuals affected with TRAF3IP1-related conditions. ClinVar contains an entry for this variant (Variation ID: 1004362). An algorithm developed to predict the effect of missense changes on protein structure and function outputs the following: PolyPhen-2: "Benign". The serine amino acid residue is found in multiple mammalian species, which suggests that this missense change does not adversely affect protein function. In summary, the available evidence is currently insufficient to determine the role of this variant in disease. Therefore, it has been classified as a Variant of Uncertain Significance.

NM_015650.4(TRAF3IP1):c.1205A>G (p.Asn402Ser)

Gene: TRAF3IP1 (TRAF3 interacting protein 1; plus strand). Cytogenetic location: 2q37.3.
Variant type: single nucleotide variant.
Coding change: c.1205A>G on transcript NM_015650.4 (MANE Select); coding-DNA position 1205, A replaced by G.
Protein change: p.Asn402Ser; replaces asparagine 402 with serine.
Molecular consequence: missense variant. On other transcripts: intron variant (1).
Genome position (GRCh38, 1-based): chr2:238,344,542, A>G. VCF-style: chr2-238344542-A-G. GRCh37 (hg19) VCF-style: chr2-239253183-A-G.
Other names: c.1064-2913A>G (NM_001139490.1); short protein forms N402S.
Identifiers: ClinVar variation 1004362 (VCV001004362.7), dbSNP rs780286632, ClinGen allele CA2198317.